The following is an entry in ClinVar:

ClinVar aggregate classification (germline): Likely benign. Review status: criteria provided, multiple submitters, no conflicts (2 of 4 stars). 3 submissions from 3 submitters: Likely benign (3). Last evaluated 2025-11-18.

Conditions:
Agammaglobulinemia 4, autosomal recessive (AGM4). Also called: B cell linker protein deficiency; AGAMMAGLOBULINEMIA, AUTOSOMAL RECESSIVE, DUE TO BLNK DEFECT. Identifiers: MedGen C3150752, MONDO:0013289, OMIM 613502.

Allele frequency attached by ClinVar (database versions not stated): TOPMed 0.00004; gnomAD 0.00005; ExAC 0.00002; gnomAD exomes 0.00003; 1000 Genomes Project 30x 0.00016; 1000 Genomes Project 0.00020.
gnomAD v4.1: 46 of 1,614,216 alleles (0.0028%); highest among the groups gnomAD compares: East Asian, 0.0045%; no homozygotes.

Submissions (3):

Labcorp Genetics (formerly Invitae), Labcorp
Classification: Likely benign for Agammaglobulinemia 4, autosomal recessive. Last evaluated: 2025-11-18. Review status: criteria provided, single submitter. Criteria: Invitae Variant Classification Sherloc (09022015). Collection method: clinical testing. Allele origin: germline.

CeGaT Center for Human Genetics Tuebingen
Classification: Likely benign. Last evaluated: 2025-01-01. Review status: criteria provided, single submitter. Criteria: CeGaT Center For Human Genetics Tuebingen Variant Classification Criteria Version 2. Collection method: clinical testing. Allele origin: germline. Affected: yes. Observed: 1 variant allele.
Comment: BLNK: BP4, BP7

Blueprint Genetics
Classification: Likely benign. Last evaluated: 2023-04-27. Review status: criteria provided, single submitter. Criteria: ACMG Guidelines, 2015. Collection method: clinical testing. Allele origin: germline.

NM_013314.4(BLNK):c.294G>A (p.Pro98=)

Gene: BLNK (B cell linker; minus strand). Cytogenetic location: 10q24.1.
Variant type: single nucleotide variant.
Coding change: c.294G>A on transcript NM_013314.4 (MANE Select); coding-DNA position 294, G replaced by A.
Protein change: p.Pro98=; no amino-acid change (proline 98 retained).
Molecular consequence: synonymous variant. On other transcripts: non-coding transcript variant (4).
Genome position (GRCh38, 1-based): chr10:96,227,477, C>T on the plus strand (G>A on the coding strand, the complement: BLNK is on the minus strand). VCF-style: chr10-96227477-C-T. GRCh37 (hg19) VCF-style: chr10-97987233-C-T.
Other names: c.294G>A, p.Pro98= (NM_001114094.2, NM_001258440.2, NM_001258441.2 and 1 more transcripts).
Identifiers: ClinVar variation 1160829 (VCV001160829.23), dbSNP rs199560219, ClinGen allele CA5623511.